The following is an entry in ClinVar:

ClinVar aggregate classification (germline): Likely benign (1 of 4 stars; one submission).

gnomAD v4.1: 39 of 1,612,482 alleles (0.0024%); highest among the groups gnomAD compares: Middle Eastern, 0.033%; no homozygotes.

Submission:

CeGaT Center for Human Genetics Tuebingen
Classification: Likely benign. Last evaluated: 2024-12-01. Review status: criteria provided, single submitter. Criteria: CeGaT Center For Human Genetics Tuebingen Variant Classification Criteria Version 2. Collection method: clinical testing. Allele origin: germline. Affected: yes. Observed: 1 variant allele.
Comment: KDM6B: BP4, BP7

NM_001348716.2(KDM6B):c.3294G>C (p.Gly1098=)

Gene: KDM6B (lysine demethylase 6B; plus strand). Cytogenetic location: 17p13.1.
Variant type: single nucleotide variant.
Coding change: c.3294G>C on transcript NM_001348716.2 (MANE Select); coding-DNA position 3294, G replaced by C.
Protein change: p.Gly1098=; no amino-acid change (glycine 1098 retained).
Molecular consequence: synonymous variant.
Genome position (GRCh38, 1-based): chr17:7,849,582, G>C. VCF-style: chr17-7849582-G-C. GRCh37 (hg19) VCF-style: chr17-7752900-G-C.
Other names: c.3294G>C, p.Gly1098= (NM_001080424.2).
Identifiers: ClinVar variation 3771274 (VCV003771274.13).